The following is an entry in ClinVar:

NM_000077.5(CDKN2A):c.-14C>A

Genes: CDKN2A (cyclin dependent kinase inhibitor 2A; minus strand), LOC130001603 (ATAC-STARR-seq lymphoblastoid silent region 19811; plus strand). Cytogenetic location: 9p21.3.
Variant type: single nucleotide variant.
Coding change: c.-14C>A on transcript NM_000077.5; 14 bases upstream of the start codon, C replaced by A.
Molecular consequence: 5 prime UTR variant (on NM_001195132.2). On other transcripts: intron variant (2).
Genome position (GRCh38, 1-based): chr9:21,974,841, G>T on the plus strand (C>A on the coding strand, the complement: CDKN2A is on the minus strand). VCF-style: chr9-21974841-G-T. GRCh37 (hg19) VCF-style: chr9-21974840-G-T.
Other names: c.-14C>A (NM_000077.6, NM_001195132.2, NM_058197.5); c.-3-3633C>A (NM_001363763.2); c.194-3633C>A (NM_058195.4).
Identifiers: ClinVar variation 2775059 (VCV002775059.2), dbSNP rs764244718, ClinGen allele CA1122188037.

ClinVar aggregate classification (germline): Uncertain significance (1 of 4 stars; one submission).

Conditions:
Hereditary cancer-predisposing syndrome. Also called: Neoplastic Syndromes, Hereditary; Tumor predisposition; Hereditary neoplastic syndrome; Hereditary Cancer Syndrome. Identifiers: Orphanet 140162, MedGen C0027672, MeSH D009386, MONDO:0015356.

gnomAD v4.1: 2 of 1,565,506 alleles (0.00013%); highest among the groups gnomAD compares: African/African-American, 0.0014%; no homozygotes.

Submission:

Color Diagnostics, LLC DBA Color Health
Classification: Uncertain significance for Hereditary cancer-predisposing syndrome. Last evaluated: 2022-01-20. Review status: criteria provided, single submitter. Criteria: ACMG Guidelines, 2015. Collection method: clinical testing. Allele origin: germline.
Comment: This variant is located in the 5' untranslated region of the CDKN2A (p16INK4A) gene. To our knowledge, functional studies have not been reported for this variant. This variant has not been reported in individuals affected with hereditary cancer in the literature. This variant has not been identified in the general population by the Genome Aggregation Database (gnomAD). The available evidence is insufficient to determine the role of this variant in disease conclusively. Therefore, this variant is classified as a Variant of Uncertain Significance.